The following is an entry in ClinVar:

ClinVar aggregate classification (germline): Benign/Likely benign. Review status: criteria provided, multiple submitters, no conflicts (2 of 4 stars). 4 submissions from 4 submitters: Benign (2); Likely benign (2). Last evaluated 2026-06-25.

Conditions:
Hereditary cancer-predisposing syndrome. Also called: Tumor predisposition; Hereditary Cancer Syndrome; Hereditary neoplastic syndrome; Neoplastic Syndromes, Hereditary. Identifiers: Orphanet 140162, MedGen C0027672, MeSH D009386, MONDO:0015356.
Retinoblastoma (RB1). Also called: RETINOBLASTOMA, SOMATIC. Identifiers: Orphanet 790, MedGen C0035335, MeSH D012175, MONDO:0008380, OMIM 180200, HP:0009919. Disease mechanism: loss of function. Inheritance: Both sporadic and heritable forms are tested..

Allele frequency attached by ClinVar (database versions not stated): gnomAD 0.00002; gnomAD exomes below 0.00001; TOPMed 0.00002.
gnomAD v4.1: 8 of 1,613,774 alleles (0.0005%); highest among the groups gnomAD compares: African/African-American, 0.0067%; no homozygotes.

Submissions (4):

Myriad Genetics, Inc.
Classification: Benign for Retinoblastoma. Last evaluated: 2026-06-25. Review status: criteria provided, single submitter. Criteria: Myriad Autosomal Dominant, Autosomal Recessive and X-Linked Classification Criteria (2023). Collection method: clinical testing. Allele origin: unknown.
Comment: This variant is considered benign. This variant is a silent/synonymous amino acid change and it is not expected to impact splicing.

Labcorp Genetics (formerly Invitae), Labcorp
Classification: Likely benign for Retinoblastoma. Last evaluated: 2025-08-18. Review status: criteria provided, single submitter. Criteria: Invitae Variant Classification Sherloc (09022015). Collection method: clinical testing. Allele origin: germline.

All of Us Research Program, National Institutes of Health
Classification: Benign for Retinoblastoma. Last evaluated: 2024-06-11. Review status: criteria provided, single submitter. Criteria: ACMG Guidelines, 2015. Collection method: clinical testing. Allele origin: germline. Inheritance: Autosomal dominant inheritance. Observed: 1 variant allele, 1 heterozygote.
Comment: This study involves interpretation of variants in research participants for the purpose of population health screening. Participant phenotype was not available at the time of variant classification. Additional details can be found in publication PMID: 35346344, PMCID: PMC8962531

Ambry Genetics
Classification: Likely benign for Hereditary cancer-predisposing syndrome. Last evaluated: 2019-02-12. Review status: criteria provided, single submitter. Criteria: Ambry Variant Classification Scheme 2023. Collection method: clinical testing. Allele origin: germline.

NM_000321.3(RB1):c.2370C>T (p.Tyr790=)

Gene: RB1 (RB transcriptional corepressor 1; plus strand). Cytogenetic location: 13q14.2.
Variant type: single nucleotide variant.
Coding change: c.2370C>T on transcript NM_000321.3 (MANE Select); coding-DNA position 2370, C replaced by T.
Protein change: p.Tyr790=; no amino-acid change (tyrosine 790 retained).
Molecular consequence: synonymous variant.
Genome position (GRCh38, 1-based): chr13:48,465,249, C>T. VCF-style: chr13-48465249-C-T. GRCh37 (hg19) VCF-style: chr13-49039385-C-T.
Identifiers: ClinVar variation 821168 (VCV000821168.14), dbSNP rs794727372, ClinGen allele CA483740197.